The following is an entry in ClinVar:

NM_080732.4(EGLN2):c.832G>A (p.Gly278Arg)

Genes: EGLN2 (egl-9 family hypoxia inducible factor 2; plus strand), RAB4B-EGLN2 (RAB4B-EGLN2 readthrough (NMD candidate); plus strand). Cytogenetic location: 19q13.2.
Variant type: single nucleotide variant.
Coding change: c.832G>A on transcript NM_080732.4 (MANE Select); coding-DNA position 832, G replaced by A.
Protein change: p.Gly278Arg; replaces glycine 278 with arginine.
Molecular consequence: missense variant. On other transcripts: non-coding transcript variant (1).
Genome position (GRCh38, 1-based): chr19:40,801,404, G>A. VCF-style: chr19-40801404-G-A. GRCh37 (hg19) VCF-style: chr19-41307309-G-A.
Other names: c.832G>A, p.Gly278Arg (NM_053046.4); short protein forms G278R.
Identifiers: ClinVar variation 1762959 (VCV001762959.1), dbSNP rs2083257239, ClinGen allele CA405956065.

ClinVar aggregate classification (germline): Uncertain significance (1 of 4 stars; one submission).

Conditions:
Inborn genetic diseases. Identifiers: MedGen C0950123, MeSH D030342.

Allele frequency attached by ClinVar (database versions not stated): gnomAD exomes below 0.00001; TOPMed below 0.00001.
gnomAD v4.1: 3 of 1,604,774 alleles (0.00019%); highest among the groups gnomAD compares: Non-Finnish European, 0.00025%; no homozygotes.

Submission:

Ambry Genetics
Classification: Uncertain significance for Inborn genetic diseases. Last evaluated: 2021-12-22. Review status: criteria provided, single submitter. Criteria: Ambry General Variant Classification Scheme_2022. Collection method: clinical testing. Allele origin: germline. Observed: 1 variant allele.
Comment: The p.G278R variant (also known as c.832G>A), located in coding exon 1 of the EGLN2 gene, results from a G to A substitution at nucleotide position 832. The glycine at codon 278 is replaced by arginine, an amino acid with dissimilar properties. This amino acid position is conserved. In addition, this alteration is predicted to be deleterious by in silico analysis. Since supporting evidence is limited at this time, the clinical significance of this alteration remains unclear.